The following is an entry in ClinVar:

ClinVar aggregate classification (germline): Conflicting classifications of pathogenicity. Review status: criteria provided, conflicting classifications (1 of 4 stars). 4 submissions from 4 submitters: Uncertain significance (1); Likely benign (3). Last evaluated 2026-02-01.

Conditions:
Cerebellar ataxia, impaired intellectual development, and dysequilibrium syndrome 1. Also called: VLDLR Cerebellar Hypoplasia; Cerebellar hypoplasia and mental retardation with or without quadrupedal locomotion 1; CEREBELLAR ATAXIA AND MENTAL RETARDATION WITH OR WITHOUT QUADRUPEDAL LOCOMOTION 1; CEREBELLAR ATAXIA, CONGENITAL, AND MENTAL RETARDATION, AUTOSOMAL RECESSIVE; Cerebellar ataxia, mental retardation, and dysequilibrium syndrome 1; Cerebellar ataxia, intellectual disability, and dysequilibrium syndrome 1. Identifiers: Orphanet 1766, MedGen C4551552, MONDO:0024542, OMIM 224050.

Allele frequency attached by ClinVar (database versions not stated): gnomAD 0.00022 and 0.00031; ESP Exome Variant Server 0.00031; ExAC 0.00049; 1000 Genomes Project 0.00060; gnomAD exomes 0.00031 and 0.00049; TOPMed 0.00023; 1000 Genomes Project 30x 0.00094.
gnomAD v4.1: 519 of 1,614,110 alleles (0.032%); highest among the groups gnomAD compares: South Asian, 0.22%; no homozygotes.

Submissions (4):

Labcorp Genetics (formerly Invitae), Labcorp
Classification: Likely benign. Last evaluated: 2026-02-01. Review status: criteria provided, single submitter. Criteria: Invitae Variant Classification Sherloc (09022015). Collection method: clinical testing. Allele origin: germline.

CeGaT Center for Human Genetics Tuebingen
Classification: Likely benign. Last evaluated: 2022-12-01. Review status: criteria provided, single submitter. Criteria: CeGaT Center For Human Genetics Tuebingen Variant Classification Criteria Version 2. Collection method: clinical testing. Allele origin: germline. Affected: yes. Observed: 2 variant alleles.
Comment: VLDLR: BP4

Illumina Laboratory Services, Illumina
Classification: Uncertain significance for Cerebellar ataxia, impaired intellectual development, and dysequilibrium syndrome 1. Last evaluated: 2018-01-13. Review status: criteria provided, single submitter. Criteria: ICSL Variant Classification Criteria 13 December 2019. Collection method: clinical testing. Allele origin: germline.

GeneDx
Classification: Likely benign. Last evaluated: 2017-09-13. Review status: criteria provided, single submitter. Criteria: GeneDx Variant Classification (06012015). Collection method: clinical testing. Allele origin: germline. Affected: yes.
Comment: This variant is considered likely benign or benign based on one or more of the following criteria: it is a conservative change, it occurs at a poorly conserved position in the protein, it is predicted to be benign by multiple in silico algorithms, and/or has population frequency not consistent with disease.

NM_003383.5(VLDLR):c.2104+5C>T

Gene: VLDLR (very low density lipoprotein receptor; plus strand). Cytogenetic location: 9p24.2.
Variant type: single nucleotide variant.
Coding change: c.2104+5C>T on transcript NM_003383.5 (MANE Select); 5 bases into the intron after coding-DNA position 2104, C replaced by T.
Molecular consequence: intron variant.
Genome position (GRCh38, 1-based): chr9:2,648,815, C>T. VCF-style: chr9-2648815-C-T. GRCh37 (hg19) VCF-style: chr9-2648815-C-T.
Other names: c.2104+5C>T (NM_001018056.3); c.1981+5C>T (NM_001322225.2, NM_001322226.2).
Identifiers: ClinVar variation 388504 (VCV000388504.43), dbSNP rs201953557, ClinGen allele CA4965052.